The following is an entry in ClinVar:

NM_001164508.2(NEB):c.9046C>T (p.Arg3016Ter)

Gene: NEB (nebulin; minus strand). Cytogenetic location: 2q23.3.
Variant type: single nucleotide variant.
Coding change: c.9046C>T on transcript NM_001164508.2 (MANE Select); coding-DNA position 9046, C replaced by T.
Protein change: p.Arg3016Ter; replaces arginine 3016 with a stop codon.
Molecular consequence: nonsense. On other transcripts: intron variant (1).
Genome position (GRCh38, 1-based): chr2:151,636,283, G>A on the plus strand (C>T on the coding strand, the complement: NEB is on the minus strand). VCF-style: chr2-151636283-G-A. GRCh37 (hg19) VCF-style: chr2-152492797-G-A.
Other names: c.9046C>T, p.Arg3016Ter (NM_001271208.2, NM_001164507.2); c.8853+3610C>T (NM_004543.5); short protein forms R3016*.
Identifiers: ClinVar variation 372773 (VCV000372773.16), dbSNP rs1057517977, ClinGen allele CA16042419.

ClinVar aggregate classification (germline): Pathogenic/Likely pathogenic. Review status: criteria provided, multiple submitters, no conflicts (2 of 4 stars). 7 submissions from 7 submitters: Pathogenic (5); Likely pathogenic (1). 1 of the submissions does not count toward it. Last evaluated 2024-09-18.

Conditions:
Nemaline myopathy 2 (NEM2). Also called: Nemaline myopathy 2, autosomal recessive. Identifiers: MedGen C1850569, MONDO:0009725, OMIM 256030.
Arthrogryposis multiplex congenita 6. Identifiers: MedGen C5543431, MONDO:0030281, OMIM 619334.
Nemaline myopathy. Also called: Myopathies, Nemaline. Identifiers: Orphanet 607, MedGen C0206157, MONDO:0018958.

Allele frequency attached by ClinVar (database versions not stated): gnomAD 0.00002; TOPMed 0.00002.
gnomAD v4.1: 13 of 1,609,518 alleles (0.00081%); highest among the groups gnomAD compares: African/African-American, 0.0027%; no homozygotes.

Submissions (7):

Natera, Inc.
Classification: Pathogenic for Nemaline myopathy type 2. Last evaluated: 2024-09-18. Review status: criteria provided, single submitter. Criteria: Natera Variant Classification Schema (03/2026). Collection method: clinical testing. Allele origin: germline.
Comment: The c.9046C>T variant in NEB is a nonsense variant predicted to introduce a stop codon at amino acid 3016. This variant is expected to result in nonsense mediated decay, truncation, or a dysfunctional protein product. This variant is rare in the general population with a frequency below the threshold expected for the associated phenotype(s). This variant has been observed in one or more individuals affected with the associated recessive disease, as either homozygous or compound heterozygous with a second variant (PMID: 25205138). Given the available evidence, this variant is classified as Pathogenic.

Fulgent Genetics
Classification: Likely pathogenic for Nemaline myopathy 2; Arthrogryposis multiplex congenita 6. Last evaluated: 2024-06-13. Review status: criteria provided, single submitter. Criteria: ACMG Guidelines, 2015. Collection method: clinical testing. Allele origin: germline.

Muscle and Diseases Team, Institut de Génétique et Biologie Moléculaire et Cellulaire
Classification: Pathogenic for Nemaline myopathy. Last evaluated: 2024-03-01. Review status: criteria provided, single submitter. Criteria: ACMG Guidelines, 2015. Collection method: research. Allele origin: paternal. Affected: yes. Observed: 1 variant allele.
Comment: PVS1+PM1+PM2+PP3+PP4+PP5

Baylor Genetics
Classification: Pathogenic for Arthrogryposis multiplex congenita 6. Last evaluated: 2024-02-05. Review status: criteria provided, single submitter. Criteria: ACMG Guidelines, 2015. Collection method: clinical testing. Allele origin: unknown.

Labcorp Genetics (formerly Invitae), Labcorp
Classification: Pathogenic for Nemaline myopathy 2. Last evaluated: 2022-06-15. Review status: criteria provided, single submitter. Criteria: Invitae Variant Classification Sherloc (09022015). Collection method: clinical testing. Allele origin: germline.
Comment: This sequence change creates a premature translational stop signal (p.Arg3016*) in the NEB gene. It is expected to result in an absent or disrupted protein product. Loss-of-function variants in NEB are known to be pathogenic (PMID: 25205138). This variant is present in population databases (no rsID available, gnomAD 0.01%). This premature translational stop signal has been observed in individual(s) with autosomal recessive nemaline myopathy (PMID: 25205138, 29070751). ClinVar contains an entry for this variant (Variation ID: 372773). For these reasons, this variant has been classified as Pathogenic.

GeneDx
Classification: Pathogenic. Last evaluated: 2016-11-10. Review status: criteria provided, single submitter. Criteria: GeneDx Variant Classification (06012015). Collection method: clinical testing. Allele origin: germline. Affected: yes.
Comment: The R3016X pathogenic variant in the NEB gene has been previously reported in a family with nemaline myopathy who harbored an additional NEB variant. It was not observed in approximately 2,300 individuals of European and African American ancestry in the NHLBI Exome Sequencing Project, indicating it is not a common benign variant in these populations. The R3016X variant is predicted to cause loss of normal protein function through either protein truncation or nonsense-mediated mRNA decay.

Counsyl
Classification: Likely pathogenic for Nemaline myopathy 2. Last evaluated: 2017-05-19. Review status: no assertion criteria provided. Collection method: clinical testing. Allele origin: unknown. Not counted in ClinVar's aggregate classification.

Literature cited by the submitters: PubMed 25205138 (cited by 3 submitters); DOI 10.1186/s13073-024-01353-0 (cited by Muscle and Diseases Team, Institut de Génétique et Biologie Moléculaire et Cellulaire); PubMed 29070751 (cited by Labcorp Genetics (formerly Invitae), Labcorp).